The following is an entry in ClinVar:

NM_001927.4(DES):c.1195G>T (p.Asp399Tyr)

Gene: DES (desmin; plus strand). Cytogenetic location: 2q35.
Variant type: single nucleotide variant.
Coding change: c.1195G>T on transcript NM_001927.4 (MANE Select); coding-DNA position 1195, G replaced by T.
Protein change: p.Asp399Tyr; replaces aspartic acid 399 with tyrosine.
Molecular consequence: missense variant.
Genome position (GRCh38, 1-based): chr2:219,421,511, G>T. VCF-style: chr2-219421511-G-T. GRCh37 (hg19) VCF-style: chr2-220286233-G-T.
Other names: c.1195G>T (LRG_380t1); short protein forms D399Y.
Identifiers: ClinVar variation 66396 (VCV000066396.6), dbSNP rs61130669, ClinGen allele CA217032.

ClinVar aggregate classification (germline): Conflicting classifications of pathogenicity. Review status: criteria provided, conflicting classifications (1 of 4 stars). 3 submissions from 3 submitters: Likely pathogenic (1); Uncertain significance (1). 1 of the submissions does not count toward it. Last evaluated 2025-05-23.

Conditions:
Desmin-related myofibrillar myopathy (MFM1). Also called: Desminopathy; Desmin related myopathy (former name); Desmin storage myopathy (former name); MYOFIBRILLAR MYOPATHY WITH ARRHYTHMOGENIC RIGHT VENTRICULAR CARDIOMYOPATHY; DESMIN-RELATED MYOPATHY WITH ARRHYTHMOGENIC RIGHT VENTRICULAR CARDIOMYOPATHY; Myofibrillar myopathy 1. Identifiers: Orphanet 363543, Orphanet 98909, MedGen C1832370, MONDO:0011076, OMIM 601419.

Submissions (3):

Labcorp Genetics (formerly Invitae), Labcorp
Classification: Uncertain significance for Desmin-related myofibrillar myopathy. Last evaluated: 2025-05-23. Review status: criteria provided, single submitter. Criteria: Invitae Variant Classification Sherloc (09022015). Collection method: clinical testing. Allele origin: germline.
Comment: This sequence change replaces aspartic acid, which is acidic and polar, with tyrosine, which is neutral and polar, at codon 399 of the DES protein (p.Asp399Tyr). This variant is not present in population databases (gnomAD no frequency). This missense change has been observed in individual(s) with clinical features of autosomal dominant desminopathy (PMID: 16865695, 27353043). ClinVar contains an entry for this variant (Variation ID: 66396). Invitae Evidence Modeling of protein sequence and biophysical properties (such as structural, functional, and spatial information, amino acid conservation, physicochemical variation, residue mobility, and thermodynamic stability) indicates that this missense variant is expected to disrupt DES protein function with a positive predictive value of 95%. Experimental studies have shown that this missense change affects DES function (PMID: 21262226, 23234811, 24098483, 28793217, 32105824). In summary, the available evidence is currently insufficient to determine the role of this variant in disease. Therefore, it has been classified as a Variant of Uncertain Significance.

Center of Genomic medicine, Geneva, University Hospital of Geneva
Classification: Likely pathogenic for Desmin-related myofibrillar myopathy. Last evaluated: 2015-03-16. Review status: criteria provided, single submitter. Criteria: ACMG Guidelines, 2015. Collection method: clinical testing. Allele origin: maternal. Affected: yes.

Epithelial Biology;  Institute of Medical Biology, Singapore
No classification provided. Review status: no classification provided. Collection method: not provided. Allele origin: not provided. Not counted in ClinVar's aggregate classification.

Literature cited by the submitters: PubMed 16865695 (cited by Labcorp Genetics (formerly Invitae), Labcorp); PubMed 27353043 (cited by Labcorp Genetics (formerly Invitae), Labcorp); PubMed 21262226 (cited by Labcorp Genetics (formerly Invitae), Labcorp); PubMed 23234811 (cited by Labcorp Genetics (formerly Invitae), Labcorp); PubMed 24098483 (cited by Labcorp Genetics (formerly Invitae), Labcorp); PubMed 28793217 (cited by Labcorp Genetics (formerly Invitae), Labcorp); PubMed 32105824 (cited by Labcorp Genetics (formerly Invitae), Labcorp).